The following is an entry in ClinVar:

NM_001035.3(RYR2):c.2164C>A (p.Leu722Ile)

Gene: RYR2 (ryanodine receptor 2; plus strand). Cytogenetic location: 1q43.
Variant type: single nucleotide variant.
Coding change: c.2164C>A on transcript NM_001035.3 (MANE Select); coding-DNA position 2164, C replaced by A.
Protein change: p.Leu722Ile; replaces leucine 722 with isoleucine.
Molecular consequence: missense variant.
Genome position (GRCh38, 1-based): chr1:237,496,713, C>A. VCF-style: chr1-237496713-C-A. GRCh37 (hg19) VCF-style: chr1-237660013-C-A.
Other names: short protein forms L722I.
Identifiers: ClinVar variation 4800058 (VCV004800058.1).

ClinVar aggregate classification (germline): Uncertain significance (1 of 4 stars; one submission).

Conditions:
Catecholaminergic polymorphic ventricular tachycardia 1. Also called: VENTRICULAR TACHYCARDIA, STRESS-INDUCED POLYMORPHIC 1; RYR2-Related Catecholaminergic Polymorphic Ventricular Tachycardia; VENTRICULAR TACHYCARDIA, CATECHOLAMINERGIC POLYMORPHIC, 1, WITH OR WITHOUT ATRIAL DYSFUNCTION AND/OR DILATED CARDIOMYOPATHY. Identifiers: Orphanet 3286, MedGen C1631597, MONDO:0011484, OMIM 604772.

Submission:

Labcorp Genetics (formerly Invitae), Labcorp
Classification: Uncertain significance for Catecholaminergic polymorphic ventricular tachycardia 1. Last evaluated: 2025-07-23. Review status: criteria provided, single submitter. Criteria: Invitae Variant Classification Sherloc (09022015). Collection method: clinical testing. Allele origin: germline.
Comment: This sequence change replaces leucine, which is neutral and non-polar, with isoleucine, which is neutral and non-polar, at codon 722 of the RYR2 protein (p.Leu722Ile). This variant is not present in population databases (gnomAD no frequency). This variant has not been reported in the literature in individuals affected with RYR2-related conditions. Invitae Evidence Modeling of protein sequence and biophysical properties (such as structural, functional, and spatial information, amino acid conservation, physicochemical variation, residue mobility, and thermodynamic stability) indicates that this missense variant is not expected to disrupt RYR2 protein function with a negative predictive value of 95%. In summary, the available evidence is currently insufficient to determine the role of this variant in disease. Therefore, it has been classified as a Variant of Uncertain Significance.